The following is an entry in ClinVar:

ClinVar aggregate classification (germline): Pathogenic. Review status: criteria provided, multiple submitters, no conflicts (2 of 4 stars). 9 submissions from 9 submitters: Pathogenic (6). 3 of the submissions do not count toward it. Last evaluated 2025-03-20.

Conditions:
Hereditary cancer-predisposing syndrome. Also called: Hereditary Cancer Syndrome; Neoplastic Syndromes, Hereditary; Hereditary neoplastic syndrome; Tumor predisposition. Identifiers: Orphanet 140162, MedGen C0027672, MeSH D009386, MONDO:0015356.
Hereditary breast ovarian cancer syndrome. Also called: BRCA1- and BRCA2-Associated Hereditary Breast and Ovarian Cancer; Hereditary breast and ovarian cancer syndrome; Hereditary breast and/or ovarian cancer syndrome; Breast and ovarian cancer; Hereditary breast and ovarian cancer; Hereditary breast and ovarian cancer syndrome (HBOC). Identifiers: Orphanet 145, MedGen C0677776, MeSH D061325, MONDO:0003582. Disease mechanism: loss of function.
Familial cancer of breast. Also called: BREAST CANCER, FAMILIAL; Hereditary breast cancer; hereditary breast carcinoma. Identifiers: Orphanet 227535, MedGen C0346153, MONDO:0016419, OMIM 114480. Disease mechanism: loss of function.

Submissions (9):

Ambry Genetics
Classification: Pathogenic for Hereditary cancer-predisposing syndrome. Last evaluated: 2025-03-20. Review status: criteria provided, single submitter. Criteria: Ambry Variant Classification Scheme 2023. Collection method: clinical testing. Allele origin: germline.
Comment: The p.Q151* pathogenic mutation (also known as c.451C>T), located in coding exon 4 of the PALB2 gene, results from a C to T substitution at nucleotide position 451. This changes the amino acid from a glutamine to a stop codon within coding exon 4. This mutation has been detected in multiple breast cancer patients (Antoniou AC et al. N Engl J Med, 2014 Aug;371:497-506; Decker B et al. J Med Genet, 2017 11;54:732-741; Ding YC et al. Fam Cancer, 2018 04;17:187-195; Fostira F et al. J Med Genet, 2020 01;57:53-61; Dorling et al. N Engl J Med. 2021 02;384:428-439). In addition to the clinical data presented in the literature, this alteration is expected to result in loss of function by premature protein truncation or nonsense-mediated mRNA decay. As such, this alteration is interpreted as a disease-causing mutation.

Labcorp Genetics (formerly Invitae), Labcorp
Classification: Pathogenic for Familial cancer of breast. Last evaluated: 2025-02-03. Review status: criteria provided, single submitter. Criteria: Invitae Variant Classification Sherloc (09022015). Collection method: clinical testing. Allele origin: germline.
Comment: This sequence change creates a premature translational stop signal (p.Gln151*) in the PALB2 gene. It is expected to result in an absent or disrupted protein product. Loss-of-function variants in PALB2 are known to be pathogenic (PMID: 17200668, 17200671, 17200672, 24136930, 25099575). This variant is not present in population databases (gnomAD no frequency). This premature translational stop signal has been observed in individual(s) with breast cancer (PMID: 25099575). ClinVar contains an entry for this variant (Variation ID: 143977). For these reasons, this variant has been classified as Pathogenic.

Women's Health and Genetics/Laboratory Corporation of America, LabCorp
Classification: Pathogenic for Hereditary breast ovarian cancer syndrome. Last evaluated: 2024-04-19. Review status: criteria provided, single submitter. Criteria: LabCorp Variant Classification Summary - May 2015. Collection method: clinical testing. Allele origin: germline.
Comment: Variant summary: PALB2 c.451C>T (p.Gln151X) results in a premature termination codon, predicted to cause a truncation of the encoded protein or absence of the protein due to nonsense mediated decay, which are commonly known mechanisms for disease. The variant was absent in 251360 control chromosomes (gnomAD). c.451C>T has been reported in the literature in individuals affected with breast cancer, ovarian cancer, prostate cancer and other cancers (Antoniou_2014, Yang_2019). These data indicate that the variant is likely to be associated with disease. To our knowledge, no experimental evidence demonstrating an impact on protein function has been reported. The following publications have been ascertained in the context of this evaluation (PMID: 25099575, 31841383). ClinVar contains an entry for this variant (Variation ID: 143977). Based on the evidence outlined above, the variant was classified as pathogenic.

Baylor Genetics
Classification: Pathogenic for Familial cancer of breast. Last evaluated: 2023-11-22. Review status: criteria provided, single submitter. Criteria: ACMG Guidelines, 2015. Collection method: clinical testing. Allele origin: unknown.

GeneDx
Classification: Pathogenic. Last evaluated: 2023-11-10. Review status: criteria provided, single submitter. Criteria: GeneDx Variant Classification Process June 2021. Collection method: clinical testing. Allele origin: germline. Affected: yes.
Comment: Nonsense variant predicted to result in protein truncation or nonsense mediated decay in a gene for which loss of function is a known mechanism of disease; Truncating variants in this gene are considered pathogenic by a well-established clinical consortium and/or database; Not observed at significant frequency in large population cohorts (gnomAD); This variant is associated with the following publications: (PMID: 28864920, 25099575, 28779002, 33471991, 17200668, 31300551, 17200671, 17200672, 24136930)

Myriad Genetics, Inc.
Classification: Pathogenic for Familial cancer of breast. Last evaluated: 2023-03-30. Review status: criteria provided, single submitter. Criteria: Myriad Autosomal Dominant, Autosomal Recessive and X-Linked Classification Criteria (2023). Collection method: clinical testing. Allele origin: unknown.
Comment: This variant is considered pathogenic. This variant creates a termination codon and is predicted to result in premature protein truncation.

Leiden Open Variation Database
Classification: Pathogenic for Familial cancer of breast. Last evaluated: 2019-05-13. Review status: no assertion criteria provided. Collection method: curation. Allele origin: germline. Affected: yes. Not counted in ClinVar's aggregate classification.
Comment: Curators: Marc Tischkowitz, Arleen D. Auerbach. Submitter to LOVD: Marc Tischkowitz.

Counsyl
Classification: Pathogenic for Familial cancer of breast. Last evaluated: 2018-04-13. Review status: no assertion criteria provided. Collection method: clinical testing. Allele origin: unknown. Not counted in ClinVar's aggregate classification.

SNPedia
Classification: Pathogenic. Review status: no assertion criteria provided. Collection method: not provided. Allele origin: germline. Not counted in ClinVar's aggregate classification.
ClinVar note: Converted during submission from pathogenic to Pathogenic.

Literature cited by the submitters: PubMed 25099575 (cited by 5 submitters); PubMed 28779002 (cited by Ambry Genetics and Counsyl); PubMed 28864920 (cited by Ambry Genetics); PubMed 31300551 (cited by Ambry Genetics); PubMed 33471991 (cited by Ambry Genetics); PubMed 17200668 (cited by Labcorp Genetics (formerly Invitae), Labcorp); PubMed 17200671 (cited by Labcorp Genetics (formerly Invitae), Labcorp); PubMed 17200672 (cited by Labcorp Genetics (formerly Invitae), Labcorp); PubMed 24136930 (cited by Labcorp Genetics (formerly Invitae), Labcorp); PubMed 31841383 (cited by Women's Health and Genetics/Laboratory Corporation of America, LabCorp).

NM_024675.4(PALB2):c.451C>T (p.Gln151Ter)

Gene: PALB2 (partner and localizer of BRCA2; minus strand). Cytogenetic location: 16p12.2.
Variant type: single nucleotide variant.
Coding change: c.451C>T on transcript NM_024675.4 (MANE Select); coding-DNA position 451, C replaced by T.
Protein change: p.Gln151Ter; replaces glutamine 151 with a stop codon.
Molecular consequence: nonsense.
Genome position (GRCh38, 1-based): chr16:23,636,095, G>A on the plus strand (C>T on the coding strand, the complement: PALB2 is on the minus strand). VCF-style: chr16-23636095-G-A. GRCh37 (hg19) VCF-style: chr16-23647416-G-A.
Other names: short protein forms Q151*.
Identifiers: ClinVar variation 143977 (VCV000143977.23), dbSNP rs587776407, ClinGen allele CA294565.